The following is an entry in ClinVar:

ClinVar aggregate classification (germline): Pathogenic (1 of 4 stars; one submission).

Conditions:
Recessive dystrophic epidermolysis bullosa (RDEB). Also called: DYSTROPHIC EPIDERMOLYSIS BULLOSA, AUTOSOMAL RECESSIVE; EPIDERMOLYSIS BULLOSA DYSTROPHICA, HALLOPEAU-SIEMENS TYPE; Hallopeau-Siemens Disease; severe generalized recessive dystrophic epidermolysis bullosa; EPIDERMOLYSIS BULLOSA DYSTROPHICA, GENERALIZED SEVERE, AUTOSOMAL RECESSIVE; Epidermolysis Bullosa Distrophica Autosomal Recessive (RDEB). Identifiers: Orphanet 79408, Orphanet 79409, MedGen C0079474, MONDO:0009179, OMIM 226600.

Submission:

Myriad Genetics, Inc.
Classification: Pathogenic for Recessive dystrophic epidermolysis bullosa. Last evaluated: 2024-09-03. Review status: criteria provided, single submitter. Criteria: Myriad Autosomal Dominant, Autosomal Recessive and X-Linked Classification Criteria (2023). Collection method: clinical testing. Allele origin: unknown.
Comment: NM_000094.3(COL7A1):c.7536_7537delTG(A2513Rfs*5) is expected to be pathogenic in the context of dystrophic epidermolysis bullosa. This variant is predicted to lead to an abnormal or absent protein product due to the creation of a premature termination codon in COL7A1, a gene where loss-of-function variants are known to be pathogenic. Please note: this variant was assessed in the context of healthy population screening.

NM_000094.4(COL7A1):c.7536_7537del (p.Ala2513fs)

Gene: COL7A1 (collagen type VII alpha 1 chain; minus strand). Cytogenetic location: 3p21.31.
Variant type: Deletion.
Coding change: c.7536_7537del on transcript NM_000094.4 (MANE Select); coding-DNA positions 7536 to 7537, 2 bases deleted (TG; older notation c.7536_7537delTG).
Protein change: p.Ala2513fs; shifts the reading frame from alanine 2513.
Molecular consequence: frameshift variant.
Genome position (GRCh38, 1-based): chr3:48,569,745-48,569,746, CA deleted on the plus strand (TG on the coding strand, the reverse complement: COL7A1 is on the minus strand); deleting any 2 consecutive bases within chr3:48,569,745-48,569,747 gives the same sequence; the c. name uses the placement nearest the transcript's 3' end. VCF-style (leftmost placement, unchanged base first): chr3-48569744-GCA-G. GRCh37 (hg19) VCF-style: chr3-48607177-GCA-G.
Other names: short protein forms A2513fs.
Identifiers: ClinVar variation 5013523 (VCV005013523.1).